The following is an entry in ClinVar:

ClinVar aggregate classification (germline): Uncertain significance (1 of 4 stars; one submission).

Conditions:
DEAF1-related disorder.

Allele frequency attached by ClinVar (database versions not stated): TOPMed below 0.00001.

Submission:

PreventionGenetics, part of Exact Sciences
Classification: Uncertain significance for DEAF1-related condition. Last evaluated: 2023-03-08. Review status: criteria provided, single submitter. Criteria: ACMG Guidelines, 2015. Collection method: clinical testing. Allele origin: germline.
Comment: The DEAF1 c.*5C>T variant is located in the 3' untranslated region. To our knowledge, this variant has not been reported in the literature or in a large population database, indicating this variant is rare. At this time, the clinical significance of this variant is uncertain due to the absence of conclusive functional and genetic evidence.

NM_021008.4(DEAF1):c.*5C>T

Gene: DEAF1 (DEAF1 transcription factor; minus strand). Cytogenetic location: 11p15.5.
Variant type: single nucleotide variant.
Coding change: c.*5C>T on transcript NM_021008.4 (MANE Select); 5 bases downstream of the stop codon, C replaced by T.
Molecular consequence: 3 prime UTR variant.
Genome position (GRCh38, 1-based): chr11:644,545, G>A on the plus strand (C>T on the coding strand, the complement: DEAF1 is on the minus strand). VCF-style: chr11-644545-G-A. GRCh37 (hg19) VCF-style: chr11-644545-G-A.
Other names: c.*5C>T (NM_001293634.2, NM_001367390.1).
Identifiers: ClinVar variation 2629399 (VCV002629399.1), dbSNP rs1858390924, ClinGen allele CA1947210551.